The following is an entry in ClinVar:

NM_138477.4(CDAN1):c.2810G>A (p.Cys937Tyr)

Gene: CDAN1 (codanin 1; minus strand). Cytogenetic location: 15q15.2.
Variant type: single nucleotide variant.
Coding change: c.2810G>A on transcript NM_138477.4 (MANE Select); coding-DNA position 2810, G replaced by A.
Protein change: p.Cys937Tyr; replaces cysteine 937 with tyrosine.
Molecular consequence: missense variant.
Genome position (GRCh38, 1-based): chr15:42,728,262, C>T on the plus strand (G>A on the coding strand, the complement: CDAN1 is on the minus strand). VCF-style: chr15-42728262-C-T. GRCh37 (hg19) VCF-style: chr15-43020460-C-T.
Other names: short protein forms C937Y.
Identifiers: ClinVar variation 4719582 (VCV004719582.1).
Genomic context (GRCh38, chr15:42,728,262, plus strand): 5'-ACGGCTGCCGGGGTCTCCTCTGGAAGCAGCGCCCGCACAGCCCCAGGGCTCTTCCTTTGA[C>T]AGAACCTAAAAGGGGACAGATGGGGTCAGTGATCTCTGGGTATTTCAGCCTGGCTGCAGA-3'
Protein context (NP_612486.2, residues 927-947): AQALALGREF[Cys937Tyr]QRKSPGAVRA

ClinVar aggregate classification (germline): Uncertain significance (1 of 4 stars; one submission).

Submission:

Labcorp Genetics (formerly Invitae), Labcorp
Classification: Uncertain significance. Last evaluated: 2025-05-14. Review status: criteria provided, single submitter. Criteria: Invitae Variant Classification Sherloc (09022015). Collection method: clinical testing. Allele origin: germline.
Comment: This sequence change replaces cysteine, which is neutral and slightly polar, with tyrosine, which is neutral and polar, at codon 937 of the CDAN1 protein (p.Cys937Tyr). This variant is not present in population databases (gnomAD no frequency). This variant has not been reported in the literature in individuals affected with CDAN1-related conditions. An algorithm developed to predict the effect of missense changes on protein structure and function (PolyPhen-2) suggests that this variant is likely to be disruptive. In summary, the available evidence is currently insufficient to determine the role of this variant in disease. Therefore, it has been classified as a Variant of Uncertain Significance.